The following is an entry in ClinVar:

ClinVar aggregate classification (germline): Conflicting classifications of pathogenicity. Review status: criteria provided, conflicting classifications (1 of 4 stars). 3 submissions from 3 submitters: Uncertain significance (2); Likely benign (1). Last evaluated 2025-11-26.

Conditions:
Methylmalonic aciduria due to methylmalonyl-CoA mutase deficiency (MAMM). Also called: Methylmalonic aciduria, mut type. Identifiers: Orphanet 27, MedGen C1855114, MONDO:0009612, OMIM 251000.

Allele frequency attached by ClinVar (database versions not stated): gnomAD exomes 0.00002 and 0.00006; ExAC 0.00012; 1000 Genomes Project 30x 0.00016; 1000 Genomes Project 0.00020.
gnomAD v4.1: 38 of 1,610,732 alleles (0.0024%); highest among the groups gnomAD compares: East Asian, 0.0067%; no homozygotes.

Submissions (3):

Ambry Genetics
Classification: Likely benign. Last evaluated: 2025-11-26. Review status: criteria provided, single submitter. Criteria: Ambry Variant Classification Scheme 2023. Collection method: clinical testing. Allele origin: germline.

Labcorp Genetics (formerly Invitae), Labcorp
Classification: Uncertain significance. Last evaluated: 2024-09-16. Review status: criteria provided, single submitter. Criteria: Invitae Variant Classification Sherloc (09022015). Collection method: clinical testing. Allele origin: germline.
Comment: This sequence change affects codon 304 of the MUT mRNA. It is a 'silent' change, meaning that it does not change the encoded amino acid sequence of the MUT protein. It affects a nucleotide within the consensus splice site. This variant is present in population databases (rs201311681, gnomAD 0.01%). This variant has not been reported in the literature in individuals affected with MUT-related conditions. ClinVar contains an entry for this variant (Variation ID: 1417799). Algorithms developed to predict the effect of sequence changes on RNA splicing suggest that this variant is not likely to affect RNA splicing. In summary, the available evidence is currently insufficient to determine the role of this variant in disease. Therefore, it has been classified as a Variant of Uncertain Significance.

Fulgent Genetics
Classification: Uncertain significance for Methylmalonic aciduria due to methylmalonyl-CoA mutase deficiency. Last evaluated: 2022-03-31. Review status: criteria provided, single submitter. Criteria: ACMG Guidelines, 2015. Collection method: clinical testing. Allele origin: unknown.

NM_000255.4(MMUT):c.912G>A (p.Arg304=)

Gene: MMUT (methylmalonyl-CoA mutase; minus strand). Cytogenetic location: 6p12.3.
Variant type: single nucleotide variant.
Coding change: c.912G>A on transcript NM_000255.4 (MANE Select); coding-DNA position 912, G replaced by A.
Protein change: p.Arg304=; no amino-acid change (arginine 304 retained).
Molecular consequence: synonymous variant.
Genome position (GRCh38, 1-based): chr6:49,453,756, C>T on the plus strand (G>A on the coding strand, the complement: MMUT is on the minus strand). VCF-style: chr6-49453756-C-T. GRCh37 (hg19) VCF-style: chr6-49421469-C-T.
Other names: c.912G>A (NM_000255.3).
Identifiers: ClinVar variation 1417799 (VCV001417799.9), dbSNP rs201311681, ClinGen allele CA3847003.